The following is an entry in ClinVar:

ClinVar aggregate classification (germline): Uncertain significance (1 of 4 stars; one submission).

Allele frequency attached by ClinVar (database versions not stated): gnomAD exomes 0.00001; gnomAD 0.00002 and 0.00003; ExAC 0.00003; TOPMed 0.00003; 1000 Genomes Project 30x 0.00031.
gnomAD v4.1: 13 of 1,542,674 alleles (0.00084%); highest among the groups gnomAD compares: East Asian, 0.0093%; no homozygotes.

Submission:

Labcorp Genetics (formerly Invitae), Labcorp
Classification: Uncertain significance. Last evaluated: 2022-09-01. Review status: criteria provided, single submitter. Criteria: Invitae Variant Classification Sherloc (09022015). Collection method: clinical testing. Allele origin: germline.
Comment: This variant has not been reported in the literature in individuals affected with SBF1-related conditions. In summary, the available evidence is currently insufficient to determine the role of this variant in disease. Therefore, it has been classified as a Variant of Uncertain Significance. Algorithms developed to predict the effect of missense changes on protein structure and function output the following: SIFT: "Tolerated"; PolyPhen-2: "Benign"; Align-GVGD: "Class C0". The valine amino acid residue is found in multiple mammalian species, which suggests that this missense change does not adversely affect protein function. ClinVar contains an entry for this variant (Variation ID: 1501360). The frequency data for this variant in the population databases is considered unreliable, as metrics indicate poor data quality at this position in the gnomAD database. This sequence change replaces alanine, which is neutral and non-polar, with valine, which is neutral and non-polar, at codon 1329 of the SBF1 protein (p.Ala1329Val).

NM_002972.4(SBF1):c.3986C>T (p.Ala1329Val)

Gene: SBF1 (SET binding factor 1; minus strand). Cytogenetic location: 22q13.33.
Variant type: single nucleotide variant.
Coding change: c.3986C>T on transcript NM_002972.4 (MANE Select); coding-DNA position 3986, C replaced by T.
Protein change: p.Ala1329Val; replaces alanine 1329 with valine.
Molecular consequence: missense variant.
Genome position (GRCh38, 1-based): chr22:50,456,592, G>A on the plus strand (C>T on the coding strand, the complement: SBF1 is on the minus strand). VCF-style: chr22-50456592-G-A. GRCh37 (hg19) VCF-style: chr22-50895021-G-A.
Other names: c.3911C>T, p.Ala1304Val (NM_001365819.1); short protein forms A1304V, A1329V.
Identifiers: ClinVar variation 1501360 (VCV001501360.6), dbSNP rs755768063, ClinGen allele CA10316448.